The following is an entry in ClinVar:

ClinVar aggregate classification (germline): Uncertain significance (1 of 4 stars; one submission).

Submission:

Women's Health and Genetics/Laboratory Corporation of America, LabCorp
Classification: Uncertain significance. Last evaluated: 2019-10-18. Review status: criteria provided, single submitter. Criteria: LabCorp Variant Classification Summary - May 2015. Collection method: clinical testing. Allele origin: germline.
Comment: Variant summary: PACS1 c.1339A>T (p.Asn447Tyr) results in a non-conservative amino acid change in the encoded protein sequence. Three of five in-silico tools predict a damaging effect of the variant on protein function. The variant was absent in 249474 control chromosomes (gnomAD). The available data on variant occurrences in the general population are insufficient to allow any conclusion about variant significance. To our knowledge, no occurrence of c.1339A>T in individuals affected with Schuurs-Hoeijmakers syndrome and no experimental evidence demonstrating its impact on protein function have been reported. No clinical diagnostic laboratories have submitted clinical-significance assessments for this variant to ClinVar after 2014. Based on the evidence outlined above, the variant was classified as uncertain significance.

NM_018026.4(PACS1):c.1339A>T (p.Asn447Tyr)

Gene: PACS1 (phosphofurin acidic cluster sorting protein 1; plus strand). Cytogenetic location: 11q13.2.
Variant type: single nucleotide variant.
Coding change: c.1339A>T on transcript NM_018026.4 (MANE Select); coding-DNA position 1339, A replaced by T.
Protein change: p.Asn447Tyr; replaces asparagine 447 with tyrosine.
Molecular consequence: missense variant.
Genome position (GRCh38, 1-based): chr11:66,227,549, A>T. VCF-style: chr11-66227549-A-T. GRCh37 (hg19) VCF-style: chr11-65995020-A-T.
Other names: short protein forms N447Y.
Identifiers: ClinVar variation 928564 (VCV000928564.1), dbSNP rs1855491969, ClinGen allele CA381364189.
Genomic context (GRCh38, chr11:66,227,549, plus strand): 5'-TTATAATTTTTGCAGATGGAATTGGCTGCTCTAGAAAAAATTAAATCTACTTGGATTAAA[A>T]ACCAAGATGACAGCTTGACTGAAACAGACACTCTGGTATGTATGGGTCAGTTTCCTGTTT-3'
Protein context (NP_060496.2, residues 437-457): LEKIKSTWIK[Asn447Tyr]QDDSLTETDT